The following is an entry in ClinVar:

NM_024312.5(GNPTAB):c.1021C>T (p.Pro341Ser)

Gene: GNPTAB (N-acetylglucosamine-1-phosphate transferase subunits alpha and beta; minus strand). Cytogenetic location: 12q23.2.
Variant type: single nucleotide variant.
Coding change: c.1021C>T on transcript NM_024312.5 (MANE Select); coding-DNA position 1021, C replaced by T.
Protein change: p.Pro341Ser; replaces proline 341 with serine.
Molecular consequence: missense variant.
Genome position (GRCh38, 1-based): chr12:101,770,498, G>A on the plus strand (C>T on the coding strand, the complement: GNPTAB is on the minus strand). VCF-style: chr12-101770498-G-A. GRCh37 (hg19) VCF-style: chr12-102164276-G-A.
Other names: p.Pro341Ser; short protein forms P341S.
Identifiers: ClinVar variation 1028805 (VCV001028805.3), dbSNP rs370033001, ClinGen allele CA6746733.

ClinVar aggregate classification (germline): Uncertain significance. Review status: criteria provided, multiple submitters, no conflicts (2 of 4 stars). 3 submissions from 3 submitters: Uncertain significance (3). Last evaluated 2024-10-24.

Conditions:
Inborn genetic diseases. Identifiers: MedGen C0950123, MeSH D030342.
Mucolipidosis type II. Also called: Mucolipidosis 2; ML 2; Inclusion cell disease; Leroy Disease; N-acetylglucosamine 1phosphotransferase deficiency; ML disorder type 2. Identifiers: Orphanet 576, MedGen C2673377, MONDO:0009650, OMIM 252500.

Allele frequency attached by ClinVar (database versions not stated): TOPMed 0.00001; gnomAD exomes below 0.00001; gnomAD 0.00001; ESP Exome Variant Server 0.00008; ExAC 0.00001.
gnomAD v4.1: 5 of 1,612,992 alleles (0.00031%); highest among the groups gnomAD compares: Admixed American, 0.0033%; no homozygotes.

Submissions (3):

Mayo Clinic Laboratories, Mayo Clinic
Classification: Uncertain significance. Last evaluated: 2024-10-24. Review status: criteria provided, single submitter. Criteria: ACMG Guidelines, 2015. Collection method: clinical testing. Allele origin: germline. Observed: 1 variant allele.
Comment: PP3, PM2_supporting

Ambry Genetics
Classification: Uncertain significance for Inborn genetic diseases. Last evaluated: 2024-07-02. Review status: criteria provided, single submitter. Criteria: Ambry Variant Classification Scheme 2023. Collection method: clinical testing. Allele origin: germline.

Baylor Genetics
Classification: Uncertain significance for Mucolipidosis type II. Last evaluated: 2019-09-19. Review status: criteria provided, single submitter. Criteria: ACMG Guidelines, 2015. Collection method: clinical testing. Allele origin: unknown. Affected: yes.
Comment: This variant was determined to be of uncertain significance according to ACMG Guidelines, 2015 [PMID:25741868].